The following is an entry in ClinVar:

ClinVar aggregate classification (germline): Uncertain significance (1 of 4 stars; one submission).

Submission:

Labcorp Genetics (formerly Invitae), Labcorp
Classification: Uncertain significance. Last evaluated: 2021-04-16. Review status: criteria provided, single submitter. Criteria: Invitae Variant Classification Sherloc (09022015). Collection method: clinical testing. Allele origin: germline.
Comment: This sequence change replaces glycine with serine at codon 78 of the NYX protein (p.Gly78Ser). The glycine residue is moderately conserved and there is a small physicochemical difference between glycine and serine. In summary, the available evidence is currently insufficient to determine the role of this variant in disease. Therefore, it has been classified as a Variant of Uncertain Significance. Algorithms developed to predict the effect of missense changes on protein structure and function (SIFT, PolyPhen-2, Align-GVGD) all suggest that this variant is likely to be tolerated, but these predictions have not been confirmed by published functional studies and their clinical significance is uncertain. This variant has not been reported in the literature in individuals with NYX-related conditions. The frequency data for this variant in the population databases is considered unreliable, as metrics indicate insufficient coverage at this position in the ExAC database.

NM_001378477.3(NYX):c.217G>A (p.Gly73Ser)

Gene: NYX (nyctalopin; plus strand). Cytogenetic location: Xp11.4.
Variant type: single nucleotide variant.
Coding change: c.217G>A on transcript NM_001378477.3 (MANE Select); coding-DNA position 217, G replaced by A.
Protein change: p.Gly73Ser; replaces glycine 73 with serine.
Molecular consequence: missense variant.
Genome position (GRCh38, 1-based): chrX:41,473,685, G>A. VCF-style: chrX-41473685-G-A. GRCh37 (hg19) VCF-style: chrX-41332938-G-A.
Other names: c.217G>A, p.Gly73Ser (NM_022567.3); short protein forms G73S.
Identifiers: ClinVar variation 1345960 (VCV001345960.8), dbSNP rs2147025386, ClinGen allele CA412989646.